The following is an entry in ClinVar:

ClinVar aggregate classification (germline): Likely pathogenic. Review status: criteria provided, multiple submitters, no conflicts (2 of 4 stars). 4 submissions from 4 submitters: Likely pathogenic (4). Last evaluated 2026-09-08.

Conditions:
Fabry disease. Also called: GLA DEFICIENCY; HEREDITARY DYSTOPIC LIPIDOSIS; Fabry's disease; Angiokeratoma corporis diffusum; Ceramide trihexosidosis; ALPHA-GALACTOSIDASE A DEFICIENCY. Identifiers: Orphanet 324, MedGen C0002986, MONDO:0010526, OMIM 301500, HP:0001071. Disease mechanism: loss of function, Fabry disease is due to inactivating mutations in the X-linked GLA gene resulting in deficiency of the enzyme Alpha Galactosidase-A..
Cardiovascular phenotype. Identifiers: MedGen CN230736.

Submissions (4):

Genomenon, Inc
Classification: Likely pathogenic for Fabry disease. Last evaluated: 2026-09-08. Review status: criteria provided, single submitter. Criteria: Genomenon Sequence Variant Interpretation Standards - Updated. Collection method: curation. Allele origin: germline. Affected: yes.
Comment: GLA p.Met296Thr (c.887T>C) is a missense variant that changes the amino acid at codon 296 from Methionine to Threonine. This variant has been observed in at least one proband with clinical features consistent with Fabry disease (PMID:27560961). At least one functional study has demonstrated a substantial alteration in protein function relative to the wild-type (PMID:27657681). It is absent or not present at a significant frequency in gnomAD. In silico models predict that this variant is possibly or probably damaging. In conclusion, we classify GLA p.Met296Thr (c.887T>C) as a likely pathogenic variant.

Ambry Genetics
Classification: Likely pathogenic for Cardiovascular phenotype. Last evaluated: 2025-11-03. Review status: criteria provided, single submitter. Criteria: Ambry Variant Classification Scheme 2023. Collection method: clinical testing. Allele origin: germline.
Comment: The p.M296T variant (also known as c.887T>C), located in coding exon 6 of the GLA gene, results from a T to C substitution at nucleotide position 887. The methionine at codon 296 is replaced by threonine, an amino acid with similar properties. This variant was reported in individual(s) with features consistent with Fabry disease (Pan X et al. PLoS One, 2016 Aug;11:e0161330; Xiao Y et al. Am J Med Sci, 2021 Sep;362:260-267; Ambry internal data). Another variant at the same codon, p.M296I (c.888G>A), has been identified in individual(s) with features consistent with Fabry disease (Sakuraba H et al. Mol Genet Metab Rep, 2018 Dec;17:73-79). This amino acid position is highly conserved in available vertebrate species. In addition, this alteration is predicted to be deleterious by in silico analysis. This variant is considered to be rare based on population cohorts in the Genome Aggregation Database (gnomAD). Based on the majority of available evidence to date, this variant is likely to be pathogenic.

Labcorp Genetics (formerly Invitae), Labcorp
Classification: Likely pathogenic for Fabry disease. Last evaluated: 2024-02-02. Review status: criteria provided, single submitter. Criteria: Invitae Variant Classification Sherloc (09022015). Collection method: clinical testing. Allele origin: germline.
Comment: This sequence change replaces methionine, which is neutral and non-polar, with threonine, which is neutral and polar, at codon 296 of the GLA protein (p.Met296Thr). This variant is not present in population databases (gnomAD no frequency). This missense change has been observed in individual(s) with Fabry disease (PMID: 27560961, 34266644; external communication). ClinVar contains an entry for this variant (Variation ID: 222441). Advanced modeling of protein sequence and biophysical properties (such as structural, functional, and spatial information, amino acid conservation, physicochemical variation, residue mobility, and thermodynamic stability) performed at Invitae indicates that this missense variant is expected to disrupt GLA protein function with a positive predictive value of 80%. This variant disrupts the p.Met296 amino acid residue in GLA. Other variant(s) that disrupt this residue have been observed in individuals with GLA-related conditions (PMID: 1846223, 20031620, 27560961), which suggests that this may be a clinically significant amino acid residue. In summary, the currently available evidence indicates that the variant is pathogenic, but additional data are needed to prove that conclusively. Therefore, this variant has been classified as Likely Pathogenic.

Eurofins Ntd Llc (ga)
Classification: Likely pathogenic. Last evaluated: 2018-08-21. Review status: criteria provided, single submitter. Criteria: EGL ClinVar v180209 classification definitions. Collection method: clinical testing. Allele origin: germline. Observed: 1 variant allele, 1 hemizygote.

Literature cited by the submitters: PubMed 27560961 (cited by 3 submitters); PubMed 27657681 (cited by Genomenon, Inc); PubMed 34266644 (cited by Ambry Genetics and Labcorp Genetics (formerly Invitae), Labcorp); PubMed 1846223 (cited by Labcorp Genetics (formerly Invitae), Labcorp); PubMed 20031620 (cited by Labcorp Genetics (formerly Invitae), Labcorp).

NM_000169.3(GLA):c.887T>C (p.Met296Thr)

Genes: GLA (galactosidase alpha; minus strand), RPL36A-HNRNPH2 (RPL36A-HNRNPH2 readthrough; plus strand). Cytogenetic location: Xq22.1.
Variant type: single nucleotide variant.
Coding change: c.887T>C on transcript NM_000169.3 (MANE Select); coding-DNA position 887, T replaced by C.
Protein change: p.Met296Thr; replaces methionine 296 with threonine.
Molecular consequence: missense variant. On other transcripts: non-coding transcript variant (3), intron variant (2).
Genome position (GRCh38, 1-based): chrX:101,398,482, A>G on the plus strand (T>C on the coding strand, the complement: GLA is on the minus strand). VCF-style: chrX-101398482-A-G. GRCh37 (hg19) VCF-style: chrX-100653470-A-G.
Other names: c.1010T>C, p.Met337Thr (NM_001406747.1); c.887T>C, p.Met296Thr (NM_001406748.1); c.300+3025A>G (NM_001199973.2); c.177+6660A>G (NM_001199974.2); short protein forms M296T, M337T.
Identifiers: ClinVar variation 222441 (VCV000222441.15), dbSNP rs869312442, ClinGen allele CA352849.